The following is an entry in ClinVar:

ClinVar aggregate classification (germline): Conflicting classifications of pathogenicity. Review status: criteria provided, conflicting classifications (1 of 4 stars). 6 submissions from 6 submitters: Uncertain significance (3); Benign (1); Likely benign (2). Last evaluated 2025-09-24.

Conditions:
Hereditary nonpolyposis colorectal neoplasms. Identifiers: MedGen C0009405, MeSH D003123.
Hereditary cancer-predisposing syndrome. Also called: Tumor predisposition; Hereditary Cancer Syndrome; Hereditary neoplastic syndrome; Neoplastic Syndromes, Hereditary. Identifiers: Orphanet 140162, MedGen C0027672, MeSH D009386, MONDO:0015356.
Endometrial carcinoma. Also called: Endometrial carcinoma, somatic. Identifiers: MedGen C0476089, MONDO:0002447, OMIM 608089, HP:0012114.

Allele frequency attached by ClinVar (database versions not stated): gnomAD 0.00001; gnomAD exomes 0.00001; TOPMed 0.00001.
gnomAD v4.1: 19 of 1,614,010 alleles (0.0012%); highest among the groups gnomAD compares: Non-Finnish European, 0.0015%; no homozygotes.

Submissions (6):

Labcorp Genetics (formerly Invitae), Labcorp
Classification: Benign for Hereditary nonpolyposis colorectal neoplasms. Last evaluated: 2025-09-24. Review status: criteria provided, single submitter. Criteria: Invitae Variant Classification Sherloc (09022015). Collection method: clinical testing. Allele origin: germline.

Baylor Genetics
Classification: Uncertain significance for Endometrial carcinoma. Last evaluated: 2024-01-17. Review status: criteria provided, single submitter. Criteria: ACMG Guidelines, 2015. Collection method: clinical testing. Allele origin: unknown.

Women's Health and Genetics/Laboratory Corporation of America, LabCorp
Classification: Uncertain significance. Last evaluated: 2019-11-25. Review status: criteria provided, single submitter. Criteria: LabCorp Variant Classification Summary - May 2015. Collection method: clinical testing. Allele origin: germline.
Comment: Variant summary: MSH6 c.2030G>C (p.Ser677Thr) results in a conservative amino acid change located in the DNA mismatch repair protein MutS, connector domain (IPR007860) of the encoded protein sequence. Three of five in-silico tools predict a benign effect of the variant on protein function. A functional study, Kantelinen_2012, supports these predictions reporting the variant to have comparable to wild-type MMR activity. The variant was absent in 250724 control chromosomes (gnomAD). The available data on variant occurrences in the general population are insufficient to allow any conclusion about variant significance. Four ClinVar submitters (evaluation after 2014) cite the variant as likely benign (1x) and uncertain significance (3x). Based on the evidence outlined above, the variant was classified as VUS-possibly benign.

Ambry Genetics
Classification: Likely benign for Hereditary cancer-predisposing syndrome. Last evaluated: 2019-04-05. Review status: criteria provided, single submitter. Criteria: Ambry Variant Classification Scheme 2023. Collection method: clinical testing. Allele origin: germline.

GeneDx
Classification: Uncertain significance. Last evaluated: 2016-12-16. Review status: criteria provided, single submitter. Criteria: GeneDx Variant Classification (06012015). Collection method: clinical testing. Allele origin: germline. Affected: yes.
Comment: This variant is denoted MSH6 c.2030G>C at the cDNA level, p.Ser677Thr (S677T) at the protein level, and results in the change of a Serine to a Threonine (AGT>ACT). This variant has been observed in at least one individual with early-onset colorectal cancer, in co-occurrence with another MSH6 missense variant (Kantelinen 2012). Kantelinen et al. (2012) demonstrated that MSH6 Ser677Thr had greater than 100% relative repair activity in a MMR complementation assay and that MSH6 expression was comparable to wild-type. The International Society for Gastrointestinal Hereditary Tumours Incorporated (InSiGHT) classifies MSH6 Ser677Thr as a variant of uncertain significance, based on insufficient evidence (Thompson 2014). MSH6 Ser677Thr was not observed in approximately 6,500 individuals of European and African American ancestry in the NHLBI Exome Sequencing Project, suggesting it is not a common benign variant in these populations. Since Serine and Threonine share similar properties, this is considered a conservative amino acid substitution. MSH6 Ser677Thr occurs at a position that is conserved in mammals and is located within the MutS II domain (Terui 2013). In silico analyses are inconsistent regarding the effect this variant may have on protein structure and function. Therefore, based on the currently available evidence, it is unclear whether MSH6 Ser677Thr is a pathogenic or benign variant. We consider it to be a variant of uncertain significance.

Color Diagnostics, LLC DBA Color Health
Classification: Likely benign for Hereditary cancer-predisposing syndrome. Last evaluated: 2016-05-16. Review status: criteria provided, single submitter. Criteria: ACMG Guidelines, 2015. Collection method: clinical testing. Allele origin: germline.

Literature cited by the submitters: PubMed 22581703 (cited by Women's Health and Genetics/Laboratory Corporation of America, LabCorp); PubMed 26333163 (cited by Women's Health and Genetics/Laboratory Corporation of America, LabCorp).

NM_000179.3(MSH6):c.2030G>C (p.Ser677Thr)

Gene: MSH6 (mutS homolog 6; plus strand). Cytogenetic location: 2p16.3.
Variant type: single nucleotide variant.
Coding change: c.2030G>C on transcript NM_000179.3 (MANE Select); coding-DNA position 2030, G replaced by C.
Protein change: p.Ser677Thr; replaces serine 677 with threonine.
Molecular consequence: missense variant.
Genome position (GRCh38, 1-based): chr2:47,800,013, G>C. VCF-style: chr2-47800013-G-C. GRCh37 (hg19) VCF-style: chr2-48027152-G-C.
Other names: c.1640G>C, p.Ser547Thr (NM_001281492.2); c.1124G>C, p.Ser375Thr (NM_001281493.2, NM_001281494.2); short protein forms S677T, S375T, S547T.
Identifiers: ClinVar variation 89240 (VCV000089240.21), dbSNP rs587779224, ClinGen allele CA009576.